The following is an entry in ClinVar:

ClinVar aggregate classification (germline): Benign/Likely benign. Review status: criteria provided, multiple submitters, no conflicts (2 of 4 stars). 3 submissions from 3 submitters: Benign (1); Likely benign (2). Last evaluated 2024-11-19.

Allele frequency attached by ClinVar (database versions not stated): ESP Exome Variant Server 0.00008; TOPMed 0.00009; gnomAD exomes 0.00022; gnomAD 0.00035; ExAC 0.00047.
gnomAD v4.1: 376 of 1,614,144 alleles (0.023%); highest among the groups gnomAD compares: East Asian, 0.11%; no homozygotes.

Submissions (3):

Blueprint Genetics
Classification: Likely benign. Last evaluated: 2024-11-19. Review status: criteria provided, single submitter. Criteria: ACMG Guidelines, 2015. Collection method: clinical testing. Allele origin: germline.

CeGaT Center for Human Genetics Tuebingen
Classification: Likely benign. Last evaluated: 2023-04-01. Review status: criteria provided, single submitter. Criteria: CeGaT Center For Human Genetics Tuebingen Variant Classification Criteria Version 2. Collection method: clinical testing. Allele origin: germline. Affected: yes. Observed: 1 variant allele.
Comment: SPTB: BP4, BP7

Labcorp Genetics (formerly Invitae), Labcorp
Classification: Benign. Last evaluated: 2022-12-12. Review status: criteria provided, single submitter. Criteria: Invitae Variant Classification Sherloc (09022015). Collection method: clinical testing. Allele origin: germline.

NM_001355436.2(SPTB):c.2136G>A (p.Pro712=)

Gene: SPTB (spectrin beta, erythrocytic; minus strand). Cytogenetic location: 14q23.3.
Variant type: single nucleotide variant.
Coding change: c.2136G>A on transcript NM_001355436.2 (MANE Select); coding-DNA position 2136, G replaced by A.
Protein change: p.Pro712=; no amino-acid change (proline 712 retained).
Molecular consequence: synonymous variant.
Genome position (GRCh38, 1-based): chr14:64,793,527, C>T on the plus strand (G>A on the coding strand, the complement: SPTB is on the minus strand). VCF-style: chr14-64793527-C-T. GRCh37 (hg19) VCF-style: chr14-65260245-C-T.
Other names: c.2136G>A, p.Pro712= (NM_001024858.4, NM_001355437.2).
Identifiers: ClinVar variation 2644324 (VCV002644324.28), dbSNP rs372732884, ClinGen allele CA7230936.
Genomic context (GRCh38, chr14:64,793,527, plus strand): 5'-AGCCAGGTCCTTCAGCTGGTCCCACTGTGCCGACACCTCCTTTATGCGGGCCTCGATCTG[C>T]GGGTGCCCAAACTGCTTGCGCGCAACCATGCCATGAGCCTCCTGGAAGATCTGCTCCAGG-3'
Protein context (NP_001342365.1, residues 702-722): GMVARKQFGH[Pro712=]QIEARIKEVS